The following is an entry in ClinVar:

ClinVar aggregate classification (germline): Conflicting classifications of pathogenicity. Review status: criteria provided, conflicting classifications (1 of 4 stars). 2 submissions from 2 submitters: Uncertain significance (1); Likely benign (1). Last evaluated 2026-07-01.

Conditions:
Inborn genetic diseases. Identifiers: MedGen C0950123, MeSH D030342.

Submissions (2):

CeGaT Center for Human Genetics Tuebingen
Classification: Likely benign. Last evaluated: 2026-07-01. Review status: criteria provided, single submitter. Criteria: CeGaT Center For Human Genetics Tuebingen Variant Classification Criteria Version 2. Collection method: clinical testing. Allele origin: germline. Affected: yes. Observed: 1 variant allele.
Comment: METTL23: BP4

Ambry Genetics
Classification: Uncertain significance for Inborn genetic diseases. Last evaluated: 2025-08-27. Review status: criteria provided, single submitter. Criteria: Ambry Variant Classification Scheme 2023. Collection method: clinical testing. Allele origin: germline.

NM_001080510.5(METTL23):c.529A>G (p.Thr177Ala)

Gene: METTL23 (methyltransferase 23, arginine; plus strand). Cytogenetic location: 17q25.1.
Variant type: single nucleotide variant.
Coding change: c.529A>G on transcript NM_001080510.5 (MANE Select); coding-DNA position 529, A replaced by G.
Protein change: p.Thr177Ala; replaces threonine 177 with alanine.
Molecular consequence: missense variant. On other transcripts: non-coding transcript variant (1).
Genome position (GRCh38, 1-based): chr17:76,733,642, A>G. VCF-style: chr17-76733642-A-G. GRCh37 (hg19) VCF-style: chr17-74729724-A-G.
Other names: c.529A>G, p.Thr177Ala (NM_001206983.3, NM_001206984.3, NM_001302703.2 and 2 more transcripts); c.328A>G, p.Thr110Ala (NM_001206985.3, NM_001206986.3, NM_001206987.3 and 2 more transcripts); c.517A>G, p.Thr173Ala (NM_001302705.2, NM_001378350.1, NM_001378351.1 and 2 more transcripts); short protein forms T177A, T110A, T173A.
Identifiers: ClinVar variation 4106950 (VCV004106950.2).